The following is an entry in ClinVar:

NM_000093.5(COL5A1):c.4673dup (p.His1559fs)

Genes: COL5A1 (collagen type V alpha 1 chain; plus strand), LOC101448202 (uncharacterized LOC101448202; minus strand). Cytogenetic location: 9q34.3.
Variant type: Duplication.
Coding change: c.4673dup on transcript NM_000093.5 (MANE Select); coding-DNA position 4673, one base duplicated (G; older notation c.4673dupG).
Protein change: p.His1559fs; shifts the reading frame from histidine 1559.
Molecular consequence: frameshift variant.
Genome position (GRCh38, 1-based): chr9:134,823,444, G duplicated; the last of 2 consecutive G bases (chr9:134,823,443-134,823,444); duplicating either gives the same sequence. VCF-style (leftmost placement, unchanged base first): chr9-134823442-A-AG. GRCh37 (hg19) VCF-style: chr9-137715288-A-AG.
Other names: c.4673dup, p.His1559fs (NM_001278074.1); short protein forms H1559fs.
Identifiers: ClinVar variation 2021699 (VCV002021699.4), dbSNP rs2490873601, ClinGen allele CA2580080032.

ClinVar aggregate classification (germline): Pathogenic (1 of 4 stars; one submission).

Conditions:
Ehlers-Danlos syndrome, classic type, 1 (EDSCL1). Also called: EHLERS-DANLOS SYNDROME, GRAVIS TYPE; EHLERS-DANLOS SYNDROME, SEVERE CLASSIC TYPE; Ehlers-Danlos syndrome, type 1; EDS I; Ehlers-Danlos Syndrome, Classic Type, COL5A1-Related. Identifiers: MedGen C0268335, MONDO:0019567, OMIM 130000.

Submission:

Labcorp Genetics (formerly Invitae), Labcorp
Classification: Pathogenic for Ehlers-Danlos syndrome, classic type, 1. Last evaluated: 2022-08-05. Review status: criteria provided, single submitter. Criteria: Invitae Variant Classification Sherloc (09022015). Collection method: clinical testing. Allele origin: germline.
Comment: For these reasons, this variant has been classified as Pathogenic. This variant has not been reported in the literature in individuals affected with COL5A1-related conditions. This variant is not present in population databases (gnomAD no frequency). This sequence change creates a premature translational stop signal (p.His1559Profs*65) in the COL5A1 gene. It is expected to result in an absent or disrupted protein product. Loss-of-function variants in COL5A1 are known to be pathogenic (PMID: 23587214).

Literature cited by the submitters: PubMed 23587214.